The following is an entry in ClinVar:

ClinVar aggregate classification (germline): Uncertain significance. Review status: criteria provided, multiple submitters, no conflicts (2 of 4 stars). 3 submissions from 3 submitters: Uncertain significance (2). 1 of the submissions does not count toward it. Last evaluated 2024-01-22.

Conditions:
Inborn genetic diseases. Identifiers: MedGen C0950123, MeSH D030342.
Leber congenital amaurosis (LCA). Also called: Leber's amaurosis. Identifiers: Orphanet 65, MedGen C0339527, MeSH D057130, MONDO:0018998.

Allele frequency attached by ClinVar (database versions not stated): gnomAD exomes 0.00004; ExAC 0.00003; gnomAD 0.00005; TOPMed 0.00009.
gnomAD v4.1: 56 of 1,613,638 alleles (0.0035%); highest among the groups gnomAD compares: Middle Eastern, 0.016%; no homozygotes.

Submissions (3):

Labcorp Genetics (formerly Invitae), Labcorp
Classification: Uncertain significance. Last evaluated: 2024-01-22. Review status: criteria provided, single submitter. Criteria: Invitae Variant Classification Sherloc (09022015). Collection method: clinical testing. Allele origin: germline.
Comment: This sequence change replaces arginine, which is basic and polar, with tryptophan, which is neutral and slightly polar, at codon 94 of the LCA5 protein (p.Arg94Trp). This variant is present in population databases (rs771098708, gnomAD 0.02%). This variant has not been reported in the literature in individuals affected with LCA5-related conditions. ClinVar contains an entry for this variant (Variation ID: 840794). Algorithms developed to predict the effect of missense changes on protein structure and function output the following: SIFT: "Not Available"; PolyPhen-2: "Benign"; Align-GVGD: "Not Available". The tryptophan amino acid residue is found in multiple mammalian species, which suggests that this missense change does not adversely affect protein function. In summary, the available evidence is currently insufficient to determine the role of this variant in disease. Therefore, it has been classified as a Variant of Uncertain Significance.

Ambry Genetics
Classification: Uncertain significance for Inborn genetic diseases. Last evaluated: 2023-01-26. Review status: criteria provided, single submitter. Criteria: Ambry Variant Classification Scheme 2023. Collection method: clinical testing. Allele origin: germline.

Natera, Inc.
Classification: Uncertain significance for Leber congenital amaurosis. Last evaluated: 2020-01-24. Review status: no assertion criteria provided. Collection method: clinical testing. Allele origin: germline. Not counted in ClinVar's aggregate classification.

NM_001122769.3(LCA5):c.280C>T (p.Arg94Trp)

Gene: LCA5 (lebercilin LCA5; minus strand). Cytogenetic location: 6q14.1.
Variant type: single nucleotide variant.
Coding change: c.280C>T on transcript NM_001122769.3 (MANE Select); coding-DNA position 280, C replaced by T.
Protein change: p.Arg94Trp; replaces arginine 94 with tryptophan.
Molecular consequence: missense variant.
Genome position (GRCh38, 1-based): chr6:79,513,652, G>A on the plus strand (C>T on the coding strand, the complement: LCA5 is on the minus strand). VCF-style: chr6-79513652-G-A. GRCh37 (hg19) VCF-style: chr6-80223369-G-A.
Other names: c.280C>T, p.Arg94Trp (NM_181714.4); short protein forms R94W.
Identifiers: ClinVar variation 840794 (VCV000840794.6), dbSNP rs771098708, ClinGen allele CA3901150.